The following is an entry in ClinVar:

ClinVar aggregate classification (germline): Likely benign. Review status: criteria provided, multiple submitters, no conflicts (2 of 4 stars). 4 submissions from 4 submitters: Likely benign (3). 1 of the submissions does not count toward it. Last evaluated 2025-05-11.

Conditions:
Hereditary cancer-predisposing syndrome. Also called: Tumor predisposition; Hereditary neoplastic syndrome; Hereditary Cancer Syndrome; Neoplastic Syndromes, Hereditary. Identifiers: Orphanet 140162, MedGen C0027672, MeSH D009386, MONDO:0015356.
Hereditary breast ovarian cancer syndrome. Also called: Hereditary breast and/or ovarian cancer syndrome; Breast and ovarian cancer; Hereditary breast and ovarian cancer syndrome; Hereditary breast and ovarian cancer; Hereditary breast and ovarian cancer syndrome (HBOC); BRCA1- and BRCA2-Associated Hereditary Breast and Ovarian Cancer. Identifiers: Orphanet 145, MedGen C0677776, MeSH D061325, MONDO:0003582. Disease mechanism: loss of function.
Breast-ovarian cancer, familial, susceptibility to, 1 (BROVCA1). Also called: BRCA1 Hereditary Breast and Ovarian Cancer; OVARIAN CANCER, SUSCEPTIBILITY TO. Identifiers: Orphanet 145, MedGen C2676676, MONDO:0011450, OMIM 604370. Disease mechanism: loss of function.

Allele frequency attached by ClinVar (database versions not stated): gnomAD exomes below 0.00001; TOPMed 0.00001.
gnomAD v4.1: 1 of 1,611,050 alleles (0.000062%); highest among the groups gnomAD compares: Non-Finnish European, 0.000085%; no homozygotes.

Submissions (4):

Labcorp Genetics (formerly Invitae), Labcorp
Classification: Likely benign for Hereditary breast ovarian cancer syndrome. Last evaluated: 2025-05-11. Review status: criteria provided, single submitter. Criteria: Invitae Variant Classification Sherloc (09022015). Collection method: clinical testing. Allele origin: germline.

Color Diagnostics, LLC DBA Color Health
Classification: Likely benign for Hereditary cancer-predisposing syndrome. Last evaluated: 2018-07-16. Review status: criteria provided, single submitter. Criteria: ACMG Guidelines, 2015. Collection method: clinical testing. Allele origin: germline.

GeneDx
Classification: Likely benign. Last evaluated: 2016-02-09. Review status: criteria provided, single submitter. Criteria: GeneDx Variant Classification (06012015). Collection method: clinical testing. Allele origin: germline. Affected: yes.
Comment: This variant is considered likely benign or benign based on one or more of the following criteria: it is a conservative change, it occurs at a poorly conserved position in the protein, it is predicted to be benign by multiple in silico algorithms, and/or has population frequency not consistent with disease.

Breast Cancer Information Core (BIC) (BRCA1)
Classification: Uncertain significance for Breast-ovarian cancer, familial 1. Last evaluated: 2004-02-20. Review status: no assertion criteria provided. Collection method: clinical testing. Allele origin: germline. Affected: yes. Observed: 1 variant allele. Not counted in ClinVar's aggregate classification.

NM_007294.4(BRCA1):c.670+7G>A

Gene: BRCA1 (BRCA1 DNA repair associated; minus strand). Cytogenetic location: 17q21.31.
Variant type: single nucleotide variant.
Coding change: c.670+7G>A on transcript NM_007294.4 (MANE Select); 7 bases into the intron after coding-DNA position 670, G replaced by A.
Molecular consequence: intron variant.
Genome position (GRCh38, 1-based): chr17:43,095,839, C>T on the plus strand (G>A on the coding strand, the complement: BRCA1 is on the minus strand). VCF-style: chr17-43095839-C-T. GRCh37 (hg19) VCF-style: chr17-41247856-C-T.
Other names: IVS10+7G>A; c.529+7G>A (NM_001408458.1, NM_001408469.1, NM_001408453.1 and 43 more transcripts); c.-218-979G>A (NM_001407967.1, NM_001407966.1); c.289+7G>A (NM_001407959.1, NM_001408510.1, NM_001407963.1 and 1 more transcripts); c.404-979G>A (NM_001407931.1, NM_001407932.1, NM_001408503.1 and 5 more transcripts); c.526+7G>A (NM_001407747.1, NM_001408470.1, NM_001407848.1 and 26 more transcripts); c.286+7G>A (NM_001407962.1); c.167-979G>A (NM_001408512.1, NM_001407965.1); and 18 more.
Identifiers: ClinVar variation 125902 (VCV000125902.16), dbSNP rs80358167, ClinGen allele CA003795.
Genomic context (GRCh38, chr17:43,095,839, plus strand): 5'-TAATTACAGTACTGTATCTACCCACTCTCTTTTCAGTGCCTGTTAAGTTGGCAAACTTTG[C>T]CATTACCCTTTTTTGCAGAATCCAAACTGATTTCATCCCTGGTTCCTTGAGGGGTGATTT-3'